The following is an entry in ClinVar:

ClinVar aggregate classification (germline): Pathogenic (1 of 4 stars; one submission).

Submission:

Labcorp Genetics (formerly Invitae), Labcorp
Classification: Pathogenic. Last evaluated: 2024-01-11. Review status: criteria provided, single submitter. Criteria: Invitae Variant Classification Sherloc (09022015). Collection method: clinical testing. Allele origin: germline.
Comment: This sequence change creates a premature translational stop signal (p.Gln374*) in the GLE1 gene. It is expected to result in an absent or disrupted protein product. Loss-of-function variants in GLE1 are known to be pathogenic (PMID: 18204449, 24243016, 27684565). This variant is not present in population databases (gnomAD no frequency). This variant has not been reported in the literature in individuals affected with GLE1-related conditions. ClinVar contains an entry for this variant (Variation ID: 950906). Algorithms developed to predict the effect of sequence changes on RNA splicing suggest that this variant may disrupt the consensus splice site. For these reasons, this variant has been classified as Pathogenic.

Literature cited by the submitters: PubMed 18204449; PubMed 24243016; PubMed 27684565.

NM_001003722.2(GLE1):c.1120C>T (p.Gln374Ter)

Gene: GLE1 (GLE1 RNA export mediator; plus strand). Cytogenetic location: 9q34.11.
Variant type: single nucleotide variant.
Coding change: c.1120C>T on transcript NM_001003722.2 (MANE Select); coding-DNA position 1120, C replaced by T.
Protein change: p.Gln374Ter; replaces glutamine 374 with a stop codon.
Molecular consequence: nonsense.
Genome position (GRCh38, 1-based): chr9:128,525,414, C>T. VCF-style: chr9-128525414-C-T. GRCh37 (hg19) VCF-style: chr9-131287693-C-T.
Other names: c.1120C>T, p.Gln374Ter (NM_001499.2); short protein forms Q374*.
Identifiers: ClinVar variation 950906 (VCV000950906.7), dbSNP rs1847274393, ClinGen allele CA375041249.
Genomic context (GRCh38, chr9:128,525,414, plus strand): 5'-CAGCAGGGACCAGAGGCCCACAAAGAGCCCCCAGCTCCCAGCCAGGGCCCAGGAGGGAAA[C>T]AGAATGAAGGTGGGTTTCAGTATGGATGTGGTCCTTTAACTCGTAAGTTTCAAATGTGAA-3'